The following is an entry in ClinVar:

ClinVar aggregate classification (germline): Uncertain significance. Review status: criteria provided, multiple submitters, no conflicts (2 of 4 stars). 2 submissions from 2 submitters: Uncertain significance (2). Last evaluated 2024-10-06.

Conditions:
Inborn genetic diseases. Identifiers: MedGen C0950123, MeSH D030342.

Allele frequency attached by ClinVar (database versions not stated): gnomAD exomes 0.00002; TOPMed 0.00007; ESP Exome Variant Server 0.00015; ExAC 0.00004; gnomAD 0.00009.
gnomAD v4.1: 31 of 1,614,040 alleles (0.0019%); highest among the groups gnomAD compares: African/African-American, 0.025%; no homozygotes.

Submissions (2):

Ambry Genetics
Classification: Uncertain significance for Inborn genetic diseases. Last evaluated: 2024-10-06. Review status: criteria provided, single submitter. Criteria: Ambry Variant Classification Scheme 2023. Collection method: clinical testing. Allele origin: germline.

Labcorp Genetics (formerly Invitae), Labcorp
Classification: Uncertain significance. Last evaluated: 2021-09-15. Review status: criteria provided, single submitter. Criteria: Invitae Variant Classification Sherloc (09022015). Collection method: clinical testing. Allele origin: germline.
Comment: This sequence change replaces arginine with glutamine at codon 605 of the CNNM4 protein (p.Arg605Gln). The arginine residue is moderately conserved and there is a small physicochemical difference between arginine and glutamine. This variant is present in population databases (rs369263433, ExAC 0.04%). This variant has not been reported in the literature in individuals affected with CNNM4-related conditions. Algorithms developed to predict the effect of missense changes on protein structure and function (SIFT, PolyPhen-2, Align-GVGD) all suggest that this variant is likely to be tolerated. In summary, the available evidence is currently insufficient to determine the role of this variant in disease. Therefore, it has been classified as a Variant of Uncertain Significance.

NM_020184.4(CNNM4):c.1814G>A (p.Arg605Gln)

Gene: CNNM4 (cyclin and CBS domain divalent metal cation transport mediator 4; plus strand). Cytogenetic location: 2q11.2.
Variant type: single nucleotide variant.
Coding change: c.1814G>A on transcript NM_020184.4 (MANE Select); coding-DNA position 1814, G replaced by A.
Protein change: p.Arg605Gln; replaces arginine 605 with glutamine.
Molecular consequence: missense variant.
Genome position (GRCh38, 1-based): chr2:96,799,189, G>A. VCF-style: chr2-96799189-G-A. GRCh37 (hg19) VCF-style: chr2-97464926-G-A.
Other names: short protein forms R605Q.
Identifiers: ClinVar variation 852612 (VCV000852612.8), dbSNP rs369263433, ClinGen allele CA1783475.